The following is an entry in ClinVar:

ClinVar aggregate classification (germline): Conflicting classifications of pathogenicity. Review status: criteria provided, conflicting classifications (1 of 4 stars). 4 submissions from 4 submitters: Uncertain significance (3); Likely benign (1). Last evaluated 2025-12-29.

Conditions:
Gorlin syndrome. Also called: Nevoid Basal Cell Carcinoma Syndrome; Basal cell nevus syndrome. Identifiers: Orphanet 377, MedGen C0004779, MONDO:0007187.
Medulloblastoma (MDB). Also called: MEDULLOBLASTOMA PREDISPOSITION SYNDROME; Medulloblastoma, somatic. Identifiers: Orphanet 616, MedGen C0025149, MeSH D008527, MONDO:0007959, OMIM 155255, HP:0002885.
Familial meningioma. Also called: Meningioma, familial, susceptibility to. Identifiers: Orphanet 263662, MedGen C3551915, MONDO:0011789, OMIM 607174.
Joubert syndrome 32 (JBTS32). Identifiers: MedGen C4540342, MONDO:0033309, OMIM 617757.
Hereditary cancer-predisposing syndrome. Also called: Hereditary neoplastic syndrome; Tumor predisposition; Neoplastic Syndromes, Hereditary; Hereditary Cancer Syndrome. Identifiers: Orphanet 140162, MedGen C0027672, MeSH D009386, MONDO:0015356.

Allele frequency attached by ClinVar (database versions not stated): TOPMed 0.00001; ExAC 0.00003.
gnomAD v4.1: 14 of 1,614,208 alleles (0.00087%); highest among the groups gnomAD compares: Admixed American, 0.0017%; no homozygotes.

Submissions (4):

Center for Genomic Medicine, Rigshospitalet, Copenhagen University Hospital
Classification: Uncertain significance. Last evaluated: 2025-12-29. Review status: criteria provided, single submitter. Criteria: ACMG Guidelines, 2015. Collection method: clinical testing. Allele origin: germline.

Labcorp Genetics (formerly Invitae), Labcorp
Classification: Uncertain significance for Gorlin syndrome; Medulloblastoma. Last evaluated: 2025-09-03. Review status: criteria provided, single submitter. Criteria: Invitae Variant Classification Sherloc (09022015). Collection method: clinical testing. Allele origin: germline.
Comment: This sequence change replaces leucine, which is neutral and non-polar, with valine, which is neutral and non-polar, at codon 222 of the SUFU protein (p.Leu222Val). This variant is present in population databases (rs765345575, gnomAD 0.004%). This variant has not been reported in the literature in individuals affected with SUFU-related conditions. ClinVar contains an entry for this variant (Variation ID: 860533). Invitae Evidence Modeling of protein sequence and biophysical properties (such as structural, functional, and spatial information, amino acid conservation, physicochemical variation, residue mobility, and thermodynamic stability) indicates that this missense variant is not expected to disrupt SUFU protein function with a negative predictive value of 80%. RNA analysis performed to evaluate the impact of this missense change on mRNA splicing indicates it does not significantly alter splicing (internal data). In summary, the available evidence is currently insufficient to determine the role of this variant in disease. Therefore, it has been classified as a Variant of Uncertain Significance.

Ambry Genetics
Classification: Likely benign for Hereditary cancer-predisposing syndrome. Last evaluated: 2022-12-01. Review status: criteria provided, single submitter. Criteria: Ambry Variant Classification Scheme 2023. Collection method: clinical testing. Allele origin: germline.

Fulgent Genetics
Classification: Uncertain significance for Basal cell nevus syndrome 1; Medulloblastoma; Familial meningioma; Joubert syndrome 32. Last evaluated: 2021-09-24. Review status: criteria provided, single submitter. Criteria: ACMG Guidelines, 2015. Collection method: clinical testing. Allele origin: unknown.

NM_016169.4(SUFU):c.664C>G (p.Leu222Val)

Gene: SUFU (SUFU negative regulator of hedgehog signaling; plus strand). Cytogenetic location: 10q24.32.
Variant type: single nucleotide variant.
Coding change: c.664C>G on transcript NM_016169.4 (MANE Select); coding-DNA position 664, C replaced by G.
Protein change: p.Leu222Val; replaces leucine 222 with valine.
Molecular consequence: missense variant.
Genome position (GRCh38, 1-based): chr10:102,593,702, C>G. VCF-style: chr10-102593702-C-G. GRCh37 (hg19) VCF-style: chr10-104353459-C-G.
Other names: c.664C>G, p.Leu222Val (NM_001178133.2); short protein forms L222V.
Identifiers: ClinVar variation 860533 (VCV000860533.14), dbSNP rs765345575, ClinGen allele CA5667737.